The following is an entry in ClinVar:

ClinVar aggregate classification (germline): Uncertain significance (1 of 4 stars; one submission).

Allele frequency attached by ClinVar (database versions not stated): gnomAD exomes 0.00002; TOPMed 0.00002; gnomAD 0.00001; ExAC 0.00007.
gnomAD v4.1: 27 of 1,613,670 alleles (0.0017%); highest among the groups gnomAD compares: Admixed American, 0.028%; no homozygotes.

Submission:

Labcorp Genetics (formerly Invitae), Labcorp
Classification: Uncertain significance. Last evaluated: 2022-07-25. Review status: criteria provided, single submitter. Criteria: Invitae Variant Classification Sherloc (09022015). Collection method: clinical testing. Allele origin: germline.
Comment: Algorithms developed to predict the effect of missense changes on protein structure and function (SIFT, PolyPhen-2, Align-GVGD) all suggest that this variant is likely to be tolerated. This variant has not been reported in the literature in individuals affected with BCAT2-related conditions. This variant is present in population databases (rs770336574, gnomAD 0.04%). This sequence change replaces arginine, which is basic and polar, with glutamine, which is neutral and polar, at codon 12 of the BCAT2 protein (p.Arg12Gln). In summary, the available evidence is currently insufficient to determine the role of this variant in disease. Therefore, it has been classified as a Variant of Uncertain Significance.

NM_001190.4(BCAT2):c.35G>A (p.Arg12Gln)

Gene: BCAT2 (branched chain amino acid transaminase 2; minus strand). Cytogenetic location: 19q13.33.
Variant type: single nucleotide variant.
Coding change: c.35G>A on transcript NM_001190.4 (MANE Select); coding-DNA position 35, G replaced by A.
Protein change: p.Arg12Gln; replaces arginine 12 with glutamine.
Molecular consequence: missense variant. On other transcripts: 5 prime UTR variant (1), intron variant (1).
Genome position (GRCh38, 1-based): chr19:48,807,064, C>T on the plus strand (G>A on the coding strand, the complement: BCAT2 is on the minus strand). VCF-style: chr19-48807064-C-T. GRCh37 (hg19) VCF-style: chr19-49310321-C-T.
Other names: c.-86G>A (NM_001284325.2); c.24+3920G>A (NM_001164773.2); short protein forms R12Q.
Identifiers: ClinVar variation 2042203 (VCV002042203.4), dbSNP rs770336574, ClinGen allele CA9558555.